The following is an entry in ClinVar:

NM_000548.5(TSC2):c.3671ACA[1] (p.Asn1225del)

Gene: TSC2 (TSC complex subunit 2; plus strand). Cytogenetic location: 16p13.3.
Variant type: Microsatellite.
Coding change: c.3671ACA[1] on transcript NM_000548.5 (MANE Select); one copy of the 3-base unit ACA starting at c.3671; the reference has two copies in a row; one copy, 3 bases deleted.
Protein change: p.Asn1225del; deletes asparagine 1225.
Molecular consequence: inframe deletion.
Genome position (GRCh38, 1-based): chr16:2,081,658-2,081,660, ACA deleted; deleting any 3 consecutive bases within chr16:2,081,653-2,081,660 gives the same sequence; the position shown is the placement nearest the transcript's 3' end. VCF-style (leftmost placement, unchanged base first): chr16-2081652-TCAA-T. GRCh37 (hg19) VCF-style: chr16-2131653-TCAA-T.
Other names: c.3539ACA[1], p.Asn1181del (NM_001077183.3, NM_001370404.1); c.3671ACA[1], p.Asn1225del (NM_001114382.3); c.3431ACA[1], p.Asn1145del (NM_001318827.2); c.3395ACA[1], p.Asn1133del (NM_001318829.2); c.2939ACA[1], p.Asn981del (NM_001318831.2); c.3572ACA[1], p.Asn1192del (NM_001318832.2); c.3542ACA[1], p.Asn1182del (NM_001363528.2, NM_001370405.1, NM_021055.3); short protein forms N1133del, N1182del, N1225del, N981del, N1192del, N1145del, N1181del.
Identifiers: ClinVar variation 1420220 (VCV001420220.9), dbSNP rs2151481692, ClinGen allele CA915940354.

ClinVar aggregate classification (germline): Uncertain significance. Review status: criteria provided, multiple submitters, no conflicts (2 of 4 stars). 4 submissions from 4 submitters: Uncertain significance (4). Last evaluated 2025-04-09.

Conditions:
Lymphangiomyomatosis (LAM). Also called: Lymphangioleiomyomatosis; Lymphangioleiomyomatosis, somatic. Identifiers: Orphanet 538, MedGen C0751674, MONDO:0011705, OMIM 606690.
Isolated focal cortical dysplasia type II (FCORD2). Also called: Focal cortical dysplasia type II; CORTICAL DYSPLASIA OF TAYLOR. Identifiers: Orphanet 268994, MedGen C1846385, MONDO:0011818, OMIM 607341, HP:0032051.
Tuberous sclerosis 2 (TSC2). Identifiers: Orphanet 805, MedGen C1860707, MONDO:0013199, OMIM 613254.
Hereditary cancer-predisposing syndrome. Also called: Hereditary neoplastic syndrome; Tumor predisposition; Hereditary Cancer Syndrome; Neoplastic Syndromes, Hereditary. Identifiers: Orphanet 140162, MedGen C0027672, MeSH D009386, MONDO:0015356.

Submissions (4):

Ambry Genetics
Classification: Uncertain significance for Hereditary cancer-predisposing syndrome. Last evaluated: 2025-04-09. Review status: criteria provided, single submitter. Criteria: Ambry Variant Classification Scheme 2023. Collection method: clinical testing. Allele origin: germline.
Comment: The c.3674_3676delACA variant (also known as p.N1225del) is located in coding exon 30 of the TSC2 gene. This variant results from an in-frame ACA deletion at nucleotide positions 3674 to 3676. This results in the in-frame deletion of an asparagine at codon 1225. This amino acid position is well conserved in available vertebrate species. In addition, the in silico prediction for this alteration is inconclusive (Choi Y et al. PLoS ONE. 2012; 7(10):e46688). Based on the available evidence, the clinical significance of this variant remains unclear.

Department of Pathology and Laboratory Medicine, Sinai Health System
Classification: Uncertain significance for Lymphangiomyomatosis; Isolated focal cortical dysplasia type II; Tuberous sclerosis 2. Last evaluated: 2022-05-18. Review status: criteria provided, single submitter. Criteria: ACMG Guidelines, 2015. Collection method: research. Allele origin: germline.

Labcorp Genetics (formerly Invitae), Labcorp
Classification: Uncertain significance for Tuberous sclerosis 2. Last evaluated: 2022-03-22. Review status: criteria provided, single submitter. Criteria: Invitae Variant Classification Sherloc (09022015). Collection method: clinical testing. Allele origin: germline.
Comment: This variant, c.3674_3676del, results in the deletion of 1 amino acid(s) of the TSC2 protein (p.Asn1225del), but otherwise preserves the integrity of the reading frame. This variant is not present in population databases (gnomAD no frequency). This variant has not been reported in the literature in individuals affected with TSC2-related conditions. Experimental studies and prediction algorithms are not available or were not evaluated, and the functional significance of this variant is currently unknown. In summary, the available evidence is currently insufficient to determine the role of this variant in disease. Therefore, it has been classified as a Variant of Uncertain Significance.

Victorian Clinical Genetics Services, Murdoch Childrens Research Institute
Classification: Uncertain significance for Tuberous sclerosis 2. Last evaluated: 2020-05-25. Review status: criteria provided, single submitter. Criteria: ACMG Guidelines, 2015. Collection method: clinical testing. Allele origin: germline. Inheritance: Autosomal dominant inheritance.
Comment: Based on the classification scheme VCGS_Germline_v1.1.1, this variant is classified as 3B - VUS. Following criteria are met: 0102 - Loss-of-function is a known mechanism of disease for this gene. (N) 0107 - This gene is known to be associated with autosomal dominant disease. (N) 0216 - In-frame deletion in a non-repetitive region that has low conservation (Exon 31). (P) 0251 - Variant is heterozygous. (N) 0301 - Variant is absent from gnomAD. (P) 0604 - Variant is not located in an established domain, motif, hotspot or informative constraint region. (N) 0705 - No comparable variants have previous evidence for pathogenicity. (N) 0807 - Variant has not previously been reported in a clinical context. (N) 0905 - No segregation evidence has been identified for this variant. (N) 1007 - No published functional evidence has been identified for this variant.